The following is an entry in ClinVar:

NM_014629.4(ARHGEF10):c.1557+6C>T

Gene: ARHGEF10 (Rho guanine nucleotide exchange factor 10; plus strand). Cytogenetic location: 8p23.3.
Variant type: single nucleotide variant.
Coding change: c.1557+6C>T on transcript NM_014629.4 (MANE Select); 6 bases into the intron after coding-DNA position 1557, C replaced by T.
Molecular consequence: intron variant.
Genome position (GRCh38, 1-based): chr8:1,896,455, C>T. VCF-style: chr8-1896455-C-T. GRCh37 (hg19) VCF-style: chr8-1844621-C-T.
Other names: c.1443+6C>T (NM_001438092.1, NM_001308152.2, NM_001438094.1); c.1560+6C>T (NM_001438091.1, NM_001308153.3); c.1440+6C>T (NM_001438093.1).
Identifiers: ClinVar variation 1405500 (VCV001405500.7), dbSNP rs200685622, ClinGen allele CA4600423.
Genomic context (GRCh38, chr8:1,896,455, plus strand): 5'-GGCAGTCCTCAAGAAAACATGTGCCACAAAGCCCGCTTTTCTTGAATTTTTAAAGGTAAG[C>T]GCTTTTTTTTTTCATTTGGGTTTTAACACCATCTGATAACAAGTTACATGTCAAAGCTTG-3'

ClinVar aggregate classification (germline): Uncertain significance. Review status: criteria provided, multiple submitters, no conflicts (2 of 4 stars). 3 submissions from 3 submitters: Uncertain significance (3). Last evaluated 2025-06-26.

Allele frequency attached by ClinVar (database versions not stated): TOPMed 0.00011; ExAC 0.00012; gnomAD exomes 0.00014.
gnomAD v4.1: 256 of 1,600,336 alleles (0.016%); highest among the groups gnomAD compares: Admixed American, 0.03%; no homozygotes.

Submissions (3):

Women's Health and Genetics/Laboratory Corporation of America, LabCorp
Classification: Uncertain significance. Last evaluated: 2025-06-26. Review status: criteria provided, single submitter. Criteria: LabCorp Variant Classification Summary - May 2015. Collection method: clinical testing. Allele origin: germline.
Comment: Variant summary: ARHGEF10 c.1557+6C>T alters a nucleotide located close to a canonical splice site and therefore could affect mRNA splicing, leading to a significantly altered protein sequence. Consensus agreement among computation tools predict no significant impact on normal splicing. However, these predictions have yet to be confirmed by functional studies. The variant allele was found at a frequency of 0.00014 in 249822 control chromosomes. This frequency is not significantly higher than estimated for a pathogenic variant in ARHGEF10 causing autosomal dominant slowed nerve conduction velocity, allowing no conclusion about variant significance. To our knowledge, no occurrence of c.1557+6C>T in individuals affected with autosomal dominant slowed nerve conduction velocity and no experimental evidence demonstrating its impact on protein function have been reported. ClinVar contains an entry for this variant (Variation ID: 1405500). Based on the evidence outlined above, the variant was classified as uncertain significance.

Labcorp Genetics (formerly Invitae), Labcorp
Classification: Uncertain significance. Last evaluated: 2025-01-14. Review status: criteria provided, single submitter. Criteria: Invitae Variant Classification Sherloc (09022015). Collection method: clinical testing. Allele origin: germline.
Comment: This sequence change falls in intron 14 of the ARHGEF10 gene. It does not directly change the encoded amino acid sequence of the ARHGEF10 protein. It affects a nucleotide within the consensus splice site. This variant is present in population databases (rs200685622, gnomAD 0.02%). This variant has not been reported in the literature in individuals affected with ARHGEF10-related conditions. ClinVar contains an entry for this variant (Variation ID: 1405500). Variants that disrupt the consensus splice site are a relatively common cause of aberrant splicing (PMID: 17576681, 9536098). Algorithms developed to predict the effect of sequence changes on RNA splicing suggest that this variant is not likely to affect RNA splicing. In summary, the available evidence is currently insufficient to determine the role of this variant in disease. Therefore, it has been classified as a Variant of Uncertain Significance.

Breakthrough Genomics
Classification: Uncertain significance. Review status: criteria provided, single submitter. Criteria: ACMG Guidelines, 2015. Collection method: not provided. Allele origin: germline. Inheritance: Autosomal recessive inheritance. Affected: yes.

Literature cited by the submitters: PubMed 17576681 (cited by Labcorp Genetics (formerly Invitae), Labcorp); PubMed 9536098 (cited by Labcorp Genetics (formerly Invitae), Labcorp).